The following is an entry in ClinVar:

ClinVar aggregate classification (germline): Uncertain significance (1 of 4 stars; one submission).

Conditions:
DiGeorge syndrome. Also called: Catch22; THIRD AND FOURTH PHARYNGEAL POUCH SYNDROME. Identifiers: Orphanet 567, MedGen C0012236, MONDO:0008564, OMIM 188400.

Submission:

Labcorp Genetics (formerly Invitae), Labcorp
Classification: Uncertain significance for DiGeorge syndrome. Last evaluated: 2023-10-29. Review status: criteria provided, single submitter. Criteria: Invitae Variant Classification Sherloc (09022015). Collection method: clinical testing. Allele origin: germline.
Comment: This variant, c.1392_1400dup, results in the insertion of 3 amino acid(s) of the TBX1 protein (p.Ala474_Ala476dup), but otherwise preserves the integrity of the reading frame. This variant is not present in population databases (gnomAD no frequency). This variant has not been reported in the literature in individuals affected with TBX1-related conditions. ClinVar contains an entry for this variant (Variation ID: 2148708). In summary, the available evidence is currently insufficient to determine the role of this variant in disease. Therefore, it has been classified as a Variant of Uncertain Significance.

NM_001379200.1(TBX1):c.1419_1427dup (p.Ala485_Asn486insAlaAlaAla)

Gene: TBX1 (T-box transcription factor 1; plus strand). Cytogenetic location: 22q11.21.
Variant type: Duplication.
Coding change: c.1419_1427dup on transcript NM_001379200.1 (MANE Select); coding-DNA positions 1419 to 1427, 9 bases duplicated (GGCCGCCGC; older notation c.1419_1427dupGGCCGCCGC).
Protein change: p.Ala485_Asn486insAlaAlaAla.
Molecular consequence: inframe insertion. On other transcripts: intron variant (2).
Genome position (GRCh38, 1-based): chr22:19,766,771-19,766,779, GGCCGCCGC duplicated; duplicating any 9 consecutive bases within chr22:19,766,763-19,766,779 gives the same sequence; the c. name uses the placement nearest the transcript's 3' end. VCF-style (leftmost placement, unchanged base first): chr22-19766762-A-AGCCGCCGCG. GRCh37 (hg19) VCF-style: chr22-19754285-A-AGCCGCCGCG.
Other names: c.1392_1400dup, p.Ala476_Asn477insAlaAlaAla (NM_080647.1); c.1009+769_1009+777dup (NM_005992.1, NM_080646.2).
Identifiers: ClinVar variation 2148708 (VCV002148708.4), dbSNP rs777514486, ClinGen allele CA322058886.